The following is an entry in ClinVar:

NM_007294.4(BRCA1):c.788G>C (p.Gly263Ala)

Gene: BRCA1 (BRCA1 DNA repair associated; minus strand). Cytogenetic location: 17q21.31.
Variant type: single nucleotide variant.
Coding change: c.788G>C on transcript NM_007294.4 (MANE Select); coding-DNA position 788, G replaced by C.
Protein change: p.Gly263Ala; replaces glycine 263 with alanine.
Molecular consequence: missense variant. On other transcripts: 5 prime UTR variant (2), splice donor variant (123), intron variant (13).
Genome position (GRCh38, 1-based): chr17:43,094,743, C>G on the plus strand (G>C on the coding strand, the complement: BRCA1 is on the minus strand). VCF-style: chr17-43094743-C-G. GRCh37 (hg19) VCF-style: chr17-41246760-C-G.
Other names: c.785G>C, p.Gly262Ala (NM_001407628.1, NM_001407629.1, NM_001407630.1 and 22 more transcripts); c.788G>C, p.Gly263Ala (NM_001407639.1, NM_001407640.1, NM_001407641.1 and 31 more transcripts); c.779G>C, p.Gly260Ala (NM_001407646.1, NM_001407647.1); c.665G>C, p.Gly222Ala (NM_001407648.1, NM_001407664.1, NM_001407665.1 and 19 more transcripts); c.662G>C, p.Gly221Ala (NM_001407649.1, NM_001407670.1, NM_001407671.1 and 11 more transcripts); c.710G>C, p.Gly237Ala (NM_001407653.1, NM_001407654.1, NM_001407655.1 and 4 more transcripts); c.707G>C, p.Gly236Ala (NM_001407659.1, NM_001407660.1, NM_001407661.1 and 1 more transcripts); c.647G>C, p.Gly216Ala (NM_001407692.1, NM_001407694.1, NM_001407695.1 and 29 more transcripts); and 39 more; short protein forms G263A, G216A, G151A, G174A, G222A, G237A, G175A, G193A.
Identifiers: ClinVar variation 55700 (VCV000055700.4), dbSNP rs397509319, ClinGen allele CA003871.

ClinVar aggregate classification (germline): Likely benign. Review status: criteria provided, single submitter (1 of 4 stars). 2 submissions from 2 submitters: Likely benign (1). 1 of the submissions does not count toward it. Last evaluated 2023-03-23.

Conditions:
Familial cancer of breast. Also called: BREAST CANCER, FAMILIAL; Hereditary breast cancer; hereditary breast carcinoma. Identifiers: Orphanet 227535, MedGen C0346153, MONDO:0016419, OMIM 114480. Disease mechanism: loss of function.
Hereditary cancer-predisposing syndrome. Also called: Neoplastic Syndromes, Hereditary; Hereditary neoplastic syndrome; Tumor predisposition; Hereditary Cancer Syndrome. Identifiers: Orphanet 140162, MedGen C0027672, MeSH D009386, MONDO:0015356.

Submissions (2):

University of Washington Department of Laboratory Medicine, University of Washington
Classification: Likely benign for Hereditary cancer-predisposing syndrome. Last evaluated: 2023-03-23. Review status: criteria provided, single submitter. Criteria: Dines et al. (Genet Med. 2020). Collection method: curation. Allele origin: germline.
Comment: Missense variant in a coldspot region where missense variants are very unlikely to be pathogenic (PMID:31911673).

BRCA1 coldspot (exon 11 using historical exon numbering). Reclassification based on statistical prior probability

ClinVar Staff, National Center for Biotechnology Information (NCBI)
No classification provided. Condition: Familial cancer of breast. Review status: no classification provided. Collection method: literature only. Allele origin: germline. Affected: yes. Not counted in ClinVar's aggregate classification.

Literature cited by the submitters: PubMed 18273839 (cited by ClinVar Staff, National Center for Biotechnology Information (NCBI)).